The following is an entry in ClinVar:

NM_004656.4(BAP1):c.103C>T (p.Leu35Phe)

Gene: BAP1 (BRCA1 associated deubiquitinase 1; minus strand). Cytogenetic location: 3p21.1.
Variant type: single nucleotide variant.
Coding change: c.103C>T on transcript NM_004656.4 (MANE Select); coding-DNA position 103, C replaced by T.
Protein change: p.Leu35Phe; replaces leucine 35 with phenylalanine.
Molecular consequence: missense variant.
Genome position (GRCh38, 1-based): chr3:52,409,573, G>A on the plus strand (C>T on the coding strand, the complement: BAP1 is on the minus strand). VCF-style: chr3-52409573-G-A. GRCh37 (hg19) VCF-style: chr3-52443589-G-A.
Other names: c.103C>T, p.Leu35Phe (NM_001410772.1); short protein forms L35F.
Identifiers: ClinVar variation 1773681 (VCV001773681.3), dbSNP rs2153228527, ClinGen allele CA353114579.

ClinVar aggregate classification (germline): Uncertain significance. Review status: criteria provided, multiple submitters, no conflicts (2 of 4 stars). 2 submissions from 2 submitters: Uncertain significance (2). Last evaluated 2025-06-16.

Conditions:
Hereditary cancer-predisposing syndrome. Also called: Hereditary Cancer Syndrome; Hereditary neoplastic syndrome; Neoplastic Syndromes, Hereditary; Tumor predisposition. Identifiers: Orphanet 140162, MedGen C0027672, MeSH D009386, MONDO:0015356.
BAP1-related tumor predisposition syndrome (TPDS1). Also called: COMMON Syndrome; TUMOR PREDISPOSITION SYNDROME 1; BAP1 tumor predisposition syndrome; Tumor susceptibility linked to germline BAP1 mutations. Identifiers: Orphanet 289539, MedGen C3280492, MONDO:0013692, OMIM 614327.

Submissions (2):

Labcorp Genetics (formerly Invitae), Labcorp
Classification: Uncertain significance for BAP1-related tumor predisposition syndrome. Last evaluated: 2025-06-16. Review status: criteria provided, single submitter. Criteria: Invitae Variant Classification Sherloc (09022015). Collection method: clinical testing. Allele origin: germline.
Comment: This sequence change replaces leucine, which is neutral and non-polar, with phenylalanine, which is neutral and non-polar, at codon 35 of the BAP1 protein (p.Leu35Phe). This variant is not present in population databases (gnomAD no frequency). This variant has not been reported in the literature in individuals affected with BAP1-related conditions. ClinVar contains an entry for this variant (Variation ID: 1773681). Invitae Evidence Modeling of protein sequence and biophysical properties (such as structural, functional, and spatial information, amino acid conservation, physicochemical variation, residue mobility, and thermodynamic stability) has been performed for this missense variant. However, the output from this modeling did not meet the statistical confidence thresholds required to predict the impact of this variant on BAP1 protein function. In summary, the available evidence is currently insufficient to determine the role of this variant in disease. Therefore, it has been classified as a Variant of Uncertain Significance.

Ambry Genetics
Classification: Uncertain significance for Hereditary cancer-predisposing syndrome. Last evaluated: 2022-09-27. Review status: criteria provided, single submitter. Criteria: Ambry Variant Classification Scheme 2023. Collection method: clinical testing. Allele origin: germline.
Comment: The p.L35F variant (also known as c.103C>T), located in coding exon 3 of the BAP1 gene, results from a C to T substitution at nucleotide position 103. The leucine at codon 35 is replaced by phenylalanine, an amino acid with highly similar properties. This amino acid position is highly conserved in available vertebrate species. In addition, this alteration is predicted to be deleterious by in silico analysis. Since supporting evidence is limited at this time, the clinical significance of this alteration remains unclear.